The following is an entry in ClinVar:

ClinVar aggregate classification (germline): Uncertain significance (1 of 4 stars; one submission).

Conditions:
Classic or attenuated familial adenomatous polyposis. Identifiers: MedGen CN372698, MONDO:0021057.

Submission:

All of Us Research Program, National Institutes of Health
Classification: Uncertain significance for Classic or attenuated familial adenomatous polyposis. Last evaluated: 2023-06-26. Review status: criteria provided, single submitter. Criteria: ACMG Guidelines, 2015. Collection method: clinical testing. Allele origin: germline. Inheritance: Autosomal dominant inheritance. Observed: 1 variant allele, 1 heterozygote.
Comment: This missense variant replaces lysine with glutamic acid at codon 2616 of the APC protein. Computational prediction is inconclusive regarding the impact of this variant on protein structure and function (internally defined REVEL score threshold 0.5 < inconclusive < 0.7, PMID: 27666373). To our knowledge, functional studies have not been reported for this variant. This variant has not been reported in individuals affected with APC-related disorders in the literature. This variant has not been identified in the general population by the Genome Aggregation Database (gnomAD). The available evidence is insufficient to determine the role of this variant in disease conclusively. Therefore, this variant is classified as a Variant of Uncertain Significance.

This study involves interpretation of variants in research participants for the purpose of population health screening. Participant phenotype was not available at the time of variant classification. Additional details can be found in publication PMID: 35346344, PMCID: PMC8962531

NM_000038.6(APC):c.7846A>G (p.Lys2616Glu)

Gene: APC (APC regulator of WNT signaling pathway; plus strand). Cytogenetic location: 5q22.2.
Variant type: single nucleotide variant.
Coding change: c.7846A>G on transcript NM_000038.6 (MANE Select); coding-DNA position 7846, A replaced by G.
Protein change: p.Lys2616Glu; replaces lysine 2616 with glutamic acid.
Molecular consequence: missense variant. On other transcripts: non-coding transcript variant (2).
Genome position (GRCh38, 1-based): chr5:112,843,440, A>G. VCF-style: chr5-112843440-A-G. GRCh37 (hg19) VCF-style: chr5-112179137-A-G.
Other names: c.7846A>G, p.Lys2616Glu (NM_001127510.3, NM_001354895.2, NM_001407450.1); c.7792A>G, p.Lys2598Glu (NM_001127511.3); c.7900A>G, p.Lys2634Glu (NM_001354896.2, NM_001407447.1, NM_001407448.1 and 1 more transcripts); c.7876A>G, p.Lys2626Glu (NM_001354897.2); c.7771A>G, p.Lys2591Glu (NM_001354898.2); c.7762A>G, p.Lys2588Glu (NM_001354899.2); c.7723A>G, p.Lys2575Glu (NM_001354900.2); c.7669A>G, p.Lys2557Glu (NM_001354901.2, NM_001407453.1); and 11 more; short protein forms K2232E, K2333E, K2456E, K2487E, K2490E, K2515E, K2525E, K2533E.
Identifiers: ClinVar variation 3071818 (VCV003071818.1), dbSNP rs2149994823, ClinGen allele CA16038378.